The following is an entry in ClinVar:

NM_005219.5(DIAPH1):c.3111T>A (p.Phe1037Leu)

Gene: DIAPH1 (diaphanous related formin 1; minus strand). Cytogenetic location: 5q31.3.
Variant type: single nucleotide variant.
Coding change: c.3111T>A on transcript NM_005219.5 (MANE Select); coding-DNA position 3111, T replaced by A.
Protein change: p.Phe1037Leu; replaces phenylalanine 1037 with leucine.
Molecular consequence: missense variant.
Genome position (GRCh38, 1-based): chr5:141,528,490, A>T on the plus strand (T>A on the coding strand, the complement: DIAPH1 is on the minus strand). VCF-style: chr5-141528490-A-T. GRCh37 (hg19) VCF-style: chr5-140908057-A-T.
Other names: c.3084T>A, p.Phe1028Leu (NM_001079812.3); c.3111T>A, p.Phe1037Leu (NM_001314007.2); short protein forms F1028L, F1037L.
Identifiers: ClinVar variation 1690797 (VCV001690797.4), dbSNP rs376328260, ClinGen allele CA3478896.

ClinVar aggregate classification (germline): Conflicting classifications of pathogenicity. Review status: criteria provided, conflicting classifications (1 of 4 stars). 2 submissions from 2 submitters: Uncertain significance (1); Likely benign (1). Last evaluated 2025-06-01.

Conditions:
Progressive microcephaly-seizures-cortical blindness-developmental delay syndrome. Also called: Seizures, cortical blindness, and microcephaly syndrome. Identifiers: Orphanet 477814, MedGen C5567650, MONDO:0014714, OMIM 616632.
Autosomal dominant nonsyndromic hearing loss 1. Also called: KONIGSMARK SYNDROME; DEAFNESS, AUTOSOMAL DOMINANT 1, WITH OR WITHOUT THROMBOCYTOPENIA. Identifiers: Orphanet 90635, MedGen C1852282, MONDO:0007424, OMIM 124900.

gnomAD v4.1: 7 of 1,614,234 alleles (0.00043%); highest among the groups gnomAD compares: Non-Finnish European, 0.00059%; no homozygotes.

Submissions (2):

Labcorp Genetics (formerly Invitae), Labcorp
Classification: Uncertain significance for Progressive microcephaly-seizures-cortical blindness-developmental delay syndrome; Autosomal dominant nonsyndromic hearing loss 1. Last evaluated: 2025-06-01. Review status: criteria provided, single submitter. Criteria: Invitae Variant Classification Sherloc (09022015). Collection method: clinical testing. Allele origin: germline.
Comment: This sequence change replaces phenylalanine, which is neutral and non-polar, with leucine, which is neutral and non-polar, at codon 1037 of the DIAPH1 protein (p.Phe1037Leu). This variant is present in population databases (rs376328260, gnomAD 0.002%). This variant has not been reported in the literature in individuals affected with DIAPH1-related conditions. ClinVar contains an entry for this variant (Variation ID: 1690797). An algorithm developed to predict the effect of missense changes on protein structure and function (PolyPhen-2) suggests that this variant is likely to be disruptive. In summary, the available evidence is currently insufficient to determine the role of this variant in disease. Therefore, it has been classified as a Variant of Uncertain Significance.

Laboratorio de Genetica e Diagnostico Molecular, Hospital Israelita Albert Einstein
Classification: Likely benign. Last evaluated: 2020-02-10. Review status: criteria provided, single submitter. Criteria: ACMG Guidelines, 2015. Collection method: clinical testing. Allele origin: germline. Affected: yes.
Comment: ACMG classification criteria: PM2, BP1, BP4